The following is an entry in ClinVar:

ClinVar aggregate classification (germline): Uncertain significance (1 of 4 stars; one submission).

Submission:

Labcorp Genetics (formerly Invitae), Labcorp
Classification: Uncertain significance. Last evaluated: 2024-06-22. Review status: criteria provided, single submitter. Criteria: Invitae Variant Classification Sherloc (09022015). Collection method: clinical testing. Allele origin: germline.
Comment: This sequence change replaces aspartic acid, which is acidic and polar, with histidine, which is basic and polar, at codon 510 of the PACS2 protein (p.Asp510His). This variant is not present in population databases (gnomAD no frequency). This variant has not been reported in the literature in individuals affected with PACS2-related conditions. Advanced modeling of protein sequence and biophysical properties (such as structural, functional, and spatial information, amino acid conservation, physicochemical variation, residue mobility, and thermodynamic stability) performed at Invitae indicates that this missense variant is not expected to disrupt PACS2 protein function with a negative predictive value of 80%. Algorithms developed to predict the effect of sequence changes on RNA splicing suggest that this variant may create or strengthen a splice site. In summary, the available evidence is currently insufficient to determine the role of this variant in disease. Therefore, it has been classified as a Variant of Uncertain Significance.

NM_001100913.3(PACS2):c.1528G>C (p.Asp510His)

Gene: PACS2 (phosphofurin acidic cluster sorting protein 2; plus strand). Cytogenetic location: 14q32.33.
Variant type: single nucleotide variant.
Coding change: c.1528G>C on transcript NM_001100913.3 (MANE Select); coding-DNA position 1528, G replaced by C.
Protein change: p.Asp510His; replaces aspartic acid 510 with histidine.
Molecular consequence: missense variant.
Genome position (GRCh38, 1-based): chr14:105,382,816, G>C. VCF-style: chr14-105382816-G-C. GRCh37 (hg19) VCF-style: chr14-105849153-G-C.
Other names: c.1291G>C, p.Asp431His (NM_001243127.3); c.1516G>C, p.Asp506His (NM_015197.4); short protein forms D510H, D431H, D506H.
Identifiers: ClinVar variation 3637367 (VCV003637367.2).